The following is an entry in ClinVar:

ClinVar aggregate classification (germline): Pathogenic (1 of 4 stars; one submission).

Conditions:
Hereditary breast ovarian cancer syndrome. Also called: Hereditary breast and ovarian cancer syndrome; Hereditary breast and/or ovarian cancer syndrome; Hereditary breast and ovarian cancer; Breast and ovarian cancer; Hereditary breast and ovarian cancer syndrome (HBOC); BRCA1- and BRCA2-Associated Hereditary Breast and Ovarian Cancer. Identifiers: Orphanet 145, MedGen C0677776, MeSH D061325, MONDO:0003582. Disease mechanism: loss of function.

Submission:

Labcorp Genetics (formerly Invitae), Labcorp
Classification: Pathogenic for Hereditary breast ovarian cancer syndrome. Last evaluated: 2024-07-24. Review status: criteria provided, single submitter. Criteria: Invitae Variant Classification Sherloc (09022015). Collection method: clinical testing. Allele origin: germline.
Comment: This sequence change creates a premature translational stop signal (p.Val2747Profs*13) in the BRCA2 gene. It is expected to result in an absent or disrupted protein product. Loss-of-function variants in BRCA2 are known to be pathogenic (PMID: 20104584). This variant is not present in population databases (gnomAD no frequency). This variant has not been reported in the literature in individuals affected with BRCA2-related conditions. For these reasons, this variant has been classified as Pathogenic.

Literature cited by the submitters: PubMed 20104584.

NM_000059.4(BRCA2):c.8238_8289del (p.Val2747fs)

Gene: BRCA2 (BRCA2 DNA repair associated; plus strand). Cytogenetic location: 13q13.1.
Variant type: Deletion.
Coding change: c.8238_8289del on transcript NM_000059.4 (MANE Select); coding-DNA positions 8238 to 8289, 52 bases deleted.
Protein change: p.Val2747fs; shifts the reading frame from valine 2747.
Molecular consequence: frameshift variant. On other transcripts: non-coding transcript variant (1).
Genome position (GRCh38, 1-based): chr13:32,363,440-32,363,491, 52 bases deleted. GRCh37 (hg19): chr13:32,937,577-32,937,628.
Other names: c.8142_8193del, p.Val2715fs (NM_001406719.1); c.8238_8289del, p.Val2747fs (NM_001406720.1, NM_001432077.1); c.3306_3357del, p.Val1103fs (NM_001406721.1); c.1821_1872del, p.Val608fs (NM_001406722.1); short protein forms V1103fs, V2747fs, V608fs, V2715fs.
Identifiers: ClinVar variation 3660319 (VCV003660319.2).